The following is an entry in ClinVar:

NM_001042724.2(NECTIN2):c.1320T>C (p.Phe440=)

Gene: NECTIN2 (nectin cell adhesion molecule 2; plus strand). Cytogenetic location: 19q13.32.
Variant type: single nucleotide variant.
Coding change: c.1320T>C on transcript NM_001042724.2 (MANE Select); coding-DNA position 1320, T replaced by C.
Protein change: p.Phe440=; no amino-acid change (phenylalanine 440 retained).
Molecular consequence: synonymous variant.
Genome position (GRCh38, 1-based): chr19:44,886,192, T>C. VCF-style: chr19-44886192-T-C. GRCh37 (hg19) VCF-style: chr19-45389449-T-C.
Identifiers: ClinVar variation 3043121 (VCV003043121.2), dbSNP rs182813625, ClinGen allele CA9505468.

ClinVar aggregate classification (germline): Likely benign (0 of 4 stars; one submission).

Conditions:
NECTIN2-related disorder. Also called: NECTIN2-related condition.

Allele frequency attached by ClinVar (database versions not stated): 1000 Genomes Project 30x 0.00078; 1000 Genomes Project 0.00080; gnomAD 0.00161; ExAC 0.00163; TOPMed 0.00179; gnomAD exomes 0.00229; ESP Exome Variant Server 0.00276.
gnomAD v4.1: 3,550 of 1,612,406 alleles (0.22%); highest among the groups gnomAD compares: Non-Finnish European, 0.28%; 5 homozygotes.

Submission:

PreventionGenetics, part of Exact Sciences
Classification: Likely benign for NECTIN2-related condition. Last evaluated: 2024-08-18. Review status: no assertion criteria provided. Collection method: clinical testing. Allele origin: germline.
Comment: This variant is classified as likely benign based on ACMG/AMP sequence variant interpretation guidelines (Richards et al. 2015 PMID: 25741868, with internal and published modifications).